The following is an entry in ClinVar:

NM_000553.6(WRN):c.810dup (p.Ala271fs)

Gene: WRN (WRN RecQ like helicase; plus strand). Cytogenetic location: 8p12.
Variant type: Duplication.
Coding change: c.810dup on transcript NM_000553.6 (MANE Select); coding-DNA position 810, one base duplicated (T; older notation c.810dupT).
Protein change: p.Ala271fs; shifts the reading frame from alanine 271.
Molecular consequence: frameshift variant.
Genome position (GRCh38, 1-based): chr8:31,076,258, T duplicated. VCF-style (leftmost placement, unchanged base first): chr8-31076257-A-AT. GRCh37 (hg19) VCF-style: chr8-30933773-A-AT.
Other names: short protein forms A271fs.
Identifiers: ClinVar variation 1443387 (VCV001443387.6), dbSNP rs1813089918, ClinGen allele CA2497474636.

ClinVar aggregate classification (germline): Pathogenic (1 of 4 stars; one submission).

Conditions:
Werner syndrome (WRN). Identifiers: Orphanet 902, MedGen C0043119, MONDO:0010196, OMIM 277700.

Allele frequency attached by ClinVar (database versions not stated): gnomAD exomes below 0.00001; TOPMed 0.00001.

Submission:

Labcorp Genetics (formerly Invitae), Labcorp
Classification: Pathogenic for Werner syndrome. Last evaluated: 2024-09-10. Review status: criteria provided, single submitter. Criteria: Invitae Variant Classification Sherloc (09022015). Collection method: clinical testing. Allele origin: germline.
Comment: This sequence change creates a premature translational stop signal (p.Ala271Cysfs*4) in the WRN gene. It is expected to result in an absent or disrupted protein product. Loss-of-function variants in WRN are known to be pathogenic (PMID: 16673358). This variant is not present in population databases (gnomAD no frequency). This variant has not been reported in the literature in individuals affected with WRN-related conditions. ClinVar contains an entry for this variant (Variation ID: 1443387). For these reasons, this variant has been classified as Pathogenic.

Literature cited by the submitters: PubMed 16673358.